The following is an entry in ClinVar:

NM_000179.3(MSH6):c.3251A>G (p.Asp1084Gly)

Gene: MSH6 (mutS homolog 6; plus strand). Cytogenetic location: 2p16.3.
Variant type: single nucleotide variant.
Coding change: c.3251A>G on transcript NM_000179.3 (MANE Select); coding-DNA position 3251, A replaced by G.
Protein change: p.Asp1084Gly; replaces aspartic acid 1084 with glycine.
Molecular consequence: missense variant.
Genome position (GRCh38, 1-based): chr2:47,803,498, A>G. VCF-style: chr2-47803498-A-G. GRCh37 (hg19) VCF-style: chr2-48030637-A-G.
Other names: c.2861A>G, p.Asp954Gly (NM_001281492.2); c.2345A>G, p.Asp782Gly (NM_001281493.2, NM_001281494.2); short protein forms D1084G, D782G, D954G.
Identifiers: ClinVar variation 491933 (VCV000491933.21), dbSNP rs1553331364, ClinGen allele CA346758123.

ClinVar aggregate classification (germline): Uncertain significance. Review status: criteria provided, multiple submitters, no conflicts (2 of 4 stars). 6 submissions from 6 submitters: Uncertain significance (6). Last evaluated 2025-10-13.

Conditions:
Mismatch repair cancer syndrome 3. Identifiers: MedGen C5436807, MONDO:0030841, OMIM 619097.
Endometrial carcinoma. Also called: Endometrial carcinoma, somatic. Identifiers: MedGen C0476089, MONDO:0002447, OMIM 608089, HP:0012114.
Lynch syndrome 5 (LYNCH5). Also called: Colorectal cancer, hereditary nonpolyposis, type 5; Hereditary non-polyposis colorectal cancer, type 5. Identifiers: Orphanet 144, MedGen C1833477, MONDO:0013710, OMIM 614350. Disease mechanism: loss of function.
Hereditary nonpolyposis colorectal neoplasms. Identifiers: MedGen C0009405, MeSH D003123.
Hereditary cancer-predisposing syndrome. Also called: Hereditary neoplastic syndrome; Tumor predisposition; Hereditary Cancer Syndrome; Neoplastic Syndromes, Hereditary. Identifiers: Orphanet 140162, MedGen C0027672, MeSH D009386, MONDO:0015356.
MSH6-related disorder. Also called: MSH6-related condition; MSH6-Related disorders.

Allele frequency attached by ClinVar (database versions not stated): gnomAD exomes below 0.00001.

Submissions (6):

Labcorp Genetics (formerly Invitae), Labcorp
Classification: Uncertain significance for Hereditary nonpolyposis colorectal neoplasms. Last evaluated: 2025-10-13. Review status: criteria provided, single submitter. Criteria: Invitae Variant Classification Sherloc (09022015). Collection method: clinical testing. Allele origin: germline.
Comment: This sequence change replaces aspartic acid, which is acidic and polar, with glycine, which is neutral and non-polar, at codon 1084 of the MSH6 protein (p.Asp1084Gly). This variant is not present in population databases (gnomAD no frequency). This variant has not been reported in the literature in individuals affected with MSH6-related conditions. ClinVar contains an entry for this variant (Variation ID: 491933). Invitae Evidence Modeling of protein sequence and biophysical properties (such as structural, functional, and spatial information, amino acid conservation, physicochemical variation, residue mobility, and thermodynamic stability) indicates that this missense variant is not expected to disrupt MSH6 protein function with a negative predictive value of 95%. In summary, the available evidence is currently insufficient to determine the role of this variant in disease. Therefore, it has been classified as a Variant of Uncertain Significance.

Ambry Genetics
Classification: Uncertain significance for Hereditary cancer-predisposing syndrome. Last evaluated: 2024-03-25. Review status: criteria provided, single submitter. Criteria: Ambry Variant Classification Scheme 2023. Collection method: clinical testing. Allele origin: germline.
Comment: The p.D1084G variant (also known as c.3251A>G), located in coding exon 5 of the MSH6 gene, results from an A to G substitution at nucleotide position 3251. The aspartic acid at codon 1084 is replaced by glycine, an amino acid with similar properties. This amino acid position is not well conserved in available vertebrate species. In addition, the in silico prediction for this alteration is inconclusive. Based on the available evidence, the clinical significance of this alteration remains unclear.

Color Diagnostics, LLC DBA Color Health
Classification: Uncertain significance for Hereditary cancer-predisposing syndrome. Last evaluated: 2024-03-06. Review status: criteria provided, single submitter. Criteria: ACMG Guidelines, 2015. Collection method: clinical testing. Allele origin: germline.
Comment: This missense variant replaces aspartic acid with glycine at codon 1084 of the MSH6 protein. Computational prediction suggests that this variant may not impact protein structure and function (internally defined REVEL score threshold <= 0.5, PMID: 27666373). To our knowledge, functional studies have not been reported for this variant. This variant has not been reported in individuals affected with hereditary cancer in the literature. This variant has not been identified in the general population by the Genome Aggregation Database (gnomAD). The available evidence is insufficient to determine the role of this variant in disease conclusively. Therefore, this variant is classified as a Variant of Uncertain Significance.

Baylor Genetics
Classification: Uncertain significance for Endometrial carcinoma. Last evaluated: 2023-10-17. Review status: criteria provided, single submitter. Criteria: ACMG Guidelines, 2015. Collection method: clinical testing. Allele origin: unknown.

PreventionGenetics, part of Exact Sciences
Classification: Uncertain significance for MSH6-related condition. Last evaluated: 2023-09-08. Review status: criteria provided, single submitter. Criteria: ACMG Guidelines, 2015. Collection method: clinical testing. Allele origin: germline.
Comment: The MSH6 c.3251A>G variant is predicted to result in the amino acid substitution p.Asp1084Gly. To our knowledge, this variant has not been reported in the literature or in a large population database, indicating this variant is rare. At this time, the clinical significance of this variant is uncertain due to the absence of conclusive functional and genetic evidence.

Fulgent Genetics
Classification: Uncertain significance for Endometrial carcinoma; Lynch syndrome 5; Mismatch repair cancer syndrome 3. Last evaluated: 2022-05-17. Review status: criteria provided, single submitter. Criteria: ACMG Guidelines, 2015. Collection method: clinical testing. Allele origin: unknown.